The following is an entry in ClinVar:

NM_001035.3(RYR2):c.3424-50G>A

Gene: RYR2 (ryanodine receptor 2; plus strand). Cytogenetic location: 1q43.
Variant type: single nucleotide variant.
Coding change: c.3424-50G>A on transcript NM_001035.3 (MANE Select); 50 bases into the intron before coding-DNA position 3424, G replaced by A.
Molecular consequence: intron variant.
Genome position (GRCh38, 1-based): chr1:237,569,095, G>A. VCF-style: chr1-237569095-G-A. GRCh37 (hg19) VCF-style: chr1-237732395-G-A.
Other names: c.3424-50G>A (LRG_402t1).
Identifiers: ClinVar variation 257208 (VCV000257208.4), dbSNP rs2805396, ClinGen allele CA086381.
Genomic context (GRCh38, chr1:237,569,095, plus strand): 5'-CTACTGTTGTGTTGATAGAAGGGACTGCTGTTAGGTCGTGACAGAGTGGTGGGTGGGTGC[G>A]ATTTTCCTGGCTTAGTCTGTGACAAGGGACTTTTCTGTCCTCTGTATAGGCCCAGCGGTG-3'

ClinVar aggregate classification (germline): Benign. Review status: criteria provided, multiple submitters, no conflicts (2 of 4 stars). 4 submissions from 4 submitters: Benign (4). Last evaluated 2026-09-21.

Allele frequency attached by ClinVar (database versions not stated): 1000 Genomes Project 30x 0.49329; gnomAD exomes 0.64752 and 0.68634; 1000 Genomes Project 0.49281; ExAC 0.64430; ESP Exome Variant Server 0.59350; TOPMed 0.57286; gnomAD 0.57853 and 0.58043.
gnomAD v4.1: 1,047,646 of 1,551,862 alleles (68%); highest among the groups gnomAD compares: Admixed American, 73%; 363,408 homozygotes.

Submissions (4):

Molecular Diagnostic Laboratory for Inherited Cardiovascular Disease, Montreal Heart Institute
Classification: Benign. Last evaluated: 2026-09-21. Review status: criteria provided, single submitter. Criteria: ACMG Guidelines, 2015. Collection method: clinical testing. Allele origin: germline. Affected: no.

GeneDx
Classification: Benign. Last evaluated: 2018-06-15. Review status: criteria provided, single submitter. Criteria: GeneDx Variant Classification (06012015). Collection method: clinical testing. Allele origin: germline. Affected: yes.
Comment: This variant is considered likely benign or benign based on one or more of the following criteria: it is a conservative change, it occurs at a poorly conserved position in the protein, it is predicted to be benign by multiple in silico algorithms, and/or has population frequency not consistent with disease.

Breakthrough Genomics
Classification: Benign. Review status: criteria provided, single submitter. Criteria: ACMG Guidelines, 2015. Collection method: not provided. Allele origin: germline. Inheritance: Autosomal dominant inheritance. Affected: yes.

PreventionGenetics, part of Exact Sciences
Classification: Benign. Review status: criteria provided, single submitter. Criteria: ACMG Guidelines, 2015. Collection method: clinical testing. Allele origin: germline.